The following is an entry in ClinVar:

ClinVar aggregate classification (germline): Conflicting classifications of pathogenicity. Review status: criteria provided, conflicting classifications (1 of 4 stars). 5 submissions from 5 submitters: Uncertain significance (4); Likely benign (1). Last evaluated 2025-11-25.

Conditions:
DNAH11-related disorder. Also called: DNAH11-related condition.
Primary ciliary dyskinesia. Also called: Ciliary dyskinesia. Identifiers: Orphanet 244, MedGen C0008780, MONDO:0016575, HP:0012265.

Allele frequency attached by ClinVar (database versions not stated): TOPMed 0.00041; ESP Exome Variant Server 0.00058; 1000 Genomes Project 0.00060; 1000 Genomes Project 30x 0.00094.
gnomAD v4.1: 116 of 1,613,196 alleles (0.0072%); highest among the groups gnomAD compares: African/African-American, 0.1%; no homozygotes.

Submissions (5):

Labcorp Genetics (formerly Invitae), Labcorp
Classification: Likely benign for Primary ciliary dyskinesia. Last evaluated: 2025-11-25. Review status: criteria provided, single submitter. Criteria: Invitae Variant Classification Sherloc (09022015). Collection method: clinical testing. Allele origin: germline.

GeneDx
Classification: Uncertain significance. Last evaluated: 2024-12-10. Review status: criteria provided, single submitter. Criteria: GeneDx Variant Classification Process June 2021. Collection method: clinical testing. Allele origin: germline. Affected: yes.
Comment: In silico analysis, which includes protein predictors and evolutionary conservation, supports a deleterious effect; Has not been previously published as pathogenic or benign to our knowledge

Blueprint Genetics
Classification: Uncertain significance. Last evaluated: 2024-08-28. Review status: criteria provided, single submitter. Criteria: ACMG Guidelines, 2015. Collection method: clinical testing. Allele origin: germline.

PreventionGenetics, part of Exact Sciences
Classification: Uncertain significance for DNAH11-related condition. Last evaluated: 2023-09-28. Review status: criteria provided, single submitter. Criteria: ACMG Guidelines, 2015. Collection method: clinical testing. Allele origin: germline.
Comment: The DNAH11 c.9640G>A variant is predicted to result in the amino acid substitution p.Ala3214Thr. To our knowledge, this variant has not been reported in the literature. This variant is reported in 0.12% of alleles in individuals of African descent in gnomAD. Although we suspect that this variant may be benign, at this time, the clinical significance of this variant is uncertain due to the absence of conclusive functional and genetic evidence.

Eurofins Ntd Llc (ga)
Classification: Uncertain significance. Last evaluated: 2014-05-12. Review status: criteria provided, single submitter. Criteria: EGL Classification Definitions 2015. Collection method: clinical testing. Allele origin: germline. Observed: 1 variant allele, 1 heterozygote.

NM_001277115.2(DNAH11):c.9640G>A (p.Ala3214Thr)

Gene: DNAH11 (dynein axonemal heavy chain 11; plus strand). Cytogenetic location: 7p15.3.
Variant type: single nucleotide variant.
Coding change: c.9640G>A on transcript NM_001277115.2 (MANE Select); coding-DNA position 9640, G replaced by A.
Protein change: p.Ala3214Thr; replaces alanine 3214 with threonine.
Molecular consequence: missense variant.
Genome position (GRCh38, 1-based): chr7:21,786,666, G>A. VCF-style: chr7-21786666-G-A. GRCh37 (hg19) VCF-style: chr7-21826284-G-A.
Other names: short protein forms A3214T.
Identifiers: ClinVar variation 198018 (VCV000198018.19), dbSNP rs141979671, ClinGen allele CA246500.
Genomic context (GRCh38, chr7:21,786,666, plus strand): 5'-CTGTGTGCTTTTCTTCAGGTCAACCTCAGTGAGCTGAAAGCCTTTCCCAACCCTCCCATC[G>A]CAGTTACCAATGTTACTGCAGCCGTGATGGTCCTTCTGGCTCCTCGGGGAAGAGTGCCCA-3'
Protein context (NP_001264044.1, residues 3204-3224): ELKAFPNPPI[Ala3214Thr]VTNVTAAVMV